The following is an entry in ClinVar:

NM_130837.3(OPA1):c.1569A>G (p.Lys523=)

Gene: OPA1 (OPA1 mitochondrial dynamin like GTPase; plus strand). Cytogenetic location: 3q29.
Variant type: single nucleotide variant.
Coding change: c.1569A>G on transcript NM_130837.3 (MANE Select); coding-DNA position 1569, A replaced by G.
Protein change: p.Lys523=; no amino-acid change (lysine 523 retained).
Molecular consequence: synonymous variant.
Genome position (GRCh38, 1-based): chr3:193,644,066, A>G. VCF-style: chr3-193644066-A-G. GRCh37 (hg19) VCF-style: chr3-193361855-A-G.
Other names: c.1035A>G, p.Lys345= (NM_001354663.2); c.1032A>G, p.Lys344= (NM_001354664.2); c.1404A>G, p.Lys468= (NM_015560.3); c.1296A>G, p.Lys432= (NM_130831.3); c.1350A>G, p.Lys450= (NM_130832.3); c.1407A>G, p.Lys469= (NM_130833.3); c.1458A>G, p.Lys486= (NM_130834.3); c.1461A>G, p.Lys487= (NM_130835.3); and 1 more.
Identifiers: ClinVar variation 1502209 (VCV001502209.6), dbSNP rs746251280, ClinGen allele CA2759410.

ClinVar aggregate classification (germline): Uncertain significance (1 of 4 stars; one submission).

Allele frequency attached by ClinVar (database versions not stated): gnomAD exomes below 0.00001 and 0.00002; TOPMed below 0.00001; ExAC 0.00001.
gnomAD v4.1: 18 of 1,613,914 alleles (0.0011%); highest among the groups gnomAD compares: Non-Finnish European, 0.0015%; no homozygotes.

Submission:

Labcorp Genetics (formerly Invitae), Labcorp
Classification: Uncertain significance. Last evaluated: 2021-08-31. Review status: criteria provided, single submitter. Criteria: Invitae Variant Classification Sherloc (09022015). Collection method: clinical testing. Allele origin: germline.
Comment: This sequence change affects codon 468 of the OPA1 mRNA. It is a 'silent' change, meaning that it does not change the encoded amino acid sequence of the OPA1 protein. This variant is present in population databases (rs746251280, ExAC 0.001%). This variant has not been reported in the literature in individuals affected with OPA1-related conditions. Algorithms developed to predict the effect of sequence changes on RNA splicing suggest that this variant may create or strengthen a splice site. In summary, the available evidence is currently insufficient to determine the role of this variant in disease. Therefore, it has been classified as a Variant of Uncertain Significance.